The following is an entry in ClinVar:

NM_006885.4(ZFHX3):c.9938C>G (p.Pro3313Arg)

Genes: ZFHX3 (zinc finger homeobox 3; minus strand), ZFHX3-AS1 (ZFHX3 antisense RNA 1; plus strand). Cytogenetic location: 16q22.2.
Variant type: single nucleotide variant.
Coding change: c.9938C>G on transcript NM_006885.4 (MANE Select); coding-DNA position 9938, C replaced by G.
Protein change: p.Pro3313Arg; replaces proline 3313 with arginine.
Molecular consequence: missense variant.
Genome position (GRCh38, 1-based): chr16:72,788,338, G>C on the plus strand (C>G on the coding strand, the complement: ZFHX3 is on the minus strand). VCF-style: chr16-72788338-G-C. GRCh37 (hg19) VCF-style: chr16-72822237-G-C.
Other names: c.7196C>G, p.Pro2399Arg (NM_001164766.2); c.9938C>G, p.Pro3313Arg (NM_001386735.1); short protein forms P3313R, P2399R.
Identifiers: ClinVar variation 5032117 (VCV005032117.1).

ClinVar aggregate classification (germline): Uncertain significance (1 of 4 stars; one submission).

gnomAD v4.1: 4 of 1,614,064 alleles (0.00025%); highest among the groups gnomAD compares: African/African-American, 0.0027%; no homozygotes.

Submission:

Ambry Genetics
Classification: Uncertain significance. Last evaluated: 2026-07-03. Review status: criteria provided, single submitter. Criteria: Ambry Variant Classification Scheme 2023. Collection method: clinical testing. Allele origin: germline.
Comment: The c.9938C>G (p.P3313R) alteration is located in exon 10 (coding exon 9) of the ZFHX3 gene. This alteration results from a C to G substitution at nucleotide position 9938, causing the proline (P) at amino acid position 3313 to be replaced by an arginine (R). Based on data from gnomAD, the G allele has an overall frequency of 0.003% (1/31380) total alleles studied. The highest observed frequency was 0.007% (1/15408) of European (non-Finnish) alleles. Based on insufficient or conflicting evidence, the clinical significance of this alteration remains unclear.